The following is an entry in ClinVar:

NM_003242.6(TGFBR2):c.98A>C (p.Asn33Thr)

Gene: TGFBR2 (transforming growth factor beta receptor 2; plus strand). Cytogenetic location: 3p24.1.
Variant type: single nucleotide variant.
Coding change: c.98A>C on transcript NM_003242.6 (MANE Select); coding-DNA position 98, A replaced by C.
Protein change: p.Asn33Thr; replaces asparagine 33 with threonine.
Molecular consequence: missense variant.
Genome position (GRCh38, 1-based): chr3:30,644,750, A>C. VCF-style: chr3-30644750-A-C. GRCh37 (hg19) VCF-style: chr3-30686242-A-C.
Other names: c.173A>C, p.Asn58Thr (NM_001024847.3, NM_001407126.1, NM_001407139.1); c.98A>C, p.Asn33Thr (NM_001407127.1, NM_001407130.1); c.125A>C, p.Asn42Thr (NM_001407128.1); c.-8A>C (NM_001407129.1, NM_001407132.1, NM_001407133.1 and 3 more transcripts); short protein forms N33T, N58T, N42T.
Identifiers: ClinVar variation 1406080 (VCV001406080.8), dbSNP rs2125404654, ClinGen allele CA351806294.

ClinVar aggregate classification (germline): Uncertain significance. Review status: criteria provided, multiple submitters, no conflicts (2 of 4 stars). 3 submissions from 3 submitters: Uncertain significance (3). Last evaluated 2025-10-05.

Conditions:
Familial thoracic aortic aneurysm and aortic dissection (TAAD). Also called: Thoracic aortic aneurysms and dissections. Identifiers: Orphanet 91387, MedGen C4707243, MONDO:0019625.

Submissions (3):

Color Diagnostics, LLC DBA Color Health
Classification: Uncertain significance for Familial thoracic aortic aneurysm and aortic dissection. Last evaluated: 2025-10-05. Review status: criteria provided, single submitter. Criteria: ACMG Guidelines, 2015. Collection method: clinical testing. Allele origin: germline.
Comment: This missense variant replaces asparagine with threonine at codon 33 of the TGFBR2 protein. Computational prediction suggests that this variant may not impact protein structure and function. To our knowledge, functional studies have not been reported for this variant. This variant has not been reported in individuals affected with TGFBR2-related disorders in the literature. This variant has not been identified in the general population by the Genome Aggregation Database (gnomAD). The available evidence is insufficient to determine the role of this variant in disease conclusively. Therefore, this variant is classified as a Variant of Uncertain Significance.

Labcorp Genetics (formerly Invitae), Labcorp
Classification: Uncertain significance for Familial thoracic aortic aneurysm and aortic dissection. Last evaluated: 2021-08-18. Review status: criteria provided, single submitter. Criteria: Invitae Variant Classification Sherloc (09022015). Collection method: clinical testing. Allele origin: germline.
Comment: In summary, the available evidence is currently insufficient to determine the role of this variant in disease. Therefore, it has been classified as a Variant of Uncertain Significance. Advanced modeling of protein sequence and biophysical properties (such as structural, functional, and spatial information, amino acid conservation, physicochemical variation, residue mobility, and thermodynamic stability) performed at Invitae indicates that this missense variant is not expected to disrupt TGFBR2 protein function. This variant has not been reported in the literature in individuals affected with TGFBR2-related conditions. This variant is not present in population databases (ExAC no frequency). This sequence change replaces asparagine with threonine at codon 33 of the TGFBR2 protein (p.Asn33Thr). The asparagine residue is moderately conserved and there is a small physicochemical difference between asparagine and threonine.

Blueprint Genetics
Classification: Uncertain significance. Last evaluated: 2020-09-08. Review status: criteria provided, single submitter. Criteria: ACMG Guidelines, 2015. Collection method: clinical testing. Allele origin: germline.